The following is an entry in ClinVar:

ClinVar aggregate classification (germline): Uncertain significance (1 of 4 stars; one submission).

Allele frequency attached by ClinVar (database versions not stated): gnomAD exomes below 0.00001; ExAC 0.00001.
gnomAD v4.1: 1 of 1,611,720 alleles (0.000062%); highest among the groups gnomAD compares: Non-Finnish European, 0.000085%; no homozygotes.

Submission:

Labcorp Genetics (formerly Invitae), Labcorp
Classification: Uncertain significance. Last evaluated: 2022-07-30. Review status: criteria provided, single submitter. Criteria: Invitae Variant Classification Sherloc (09022015). Collection method: clinical testing. Allele origin: germline.
Comment: In summary, the available evidence is currently insufficient to determine the role of this variant in disease. Therefore, it has been classified as a Variant of Uncertain Significance. Algorithms developed to predict the effect of missense changes on protein structure and function (SIFT, PolyPhen-2, Align-GVGD) all suggest that this variant is likely to be tolerated. This variant has not been reported in the literature in individuals affected with ERBB4-related conditions. This variant is present in population databases (rs772663811, gnomAD 0.0009%). This sequence change replaces asparagine, which is neutral and polar, with serine, which is neutral and polar, at codon 144 of the ERBB4 protein (p.Asn144Ser).

NM_005235.3(ERBB4):c.431A>G (p.Asn144Ser)

Gene: ERBB4 (erb-b2 receptor tyrosine kinase 4; minus strand). Cytogenetic location: 2q34.
Variant type: single nucleotide variant.
Coding change: c.431A>G on transcript NM_005235.3 (MANE Select); coding-DNA position 431, A replaced by G.
Protein change: p.Asn144Ser; replaces asparagine 144 with serine.
Molecular consequence: missense variant.
Genome position (GRCh38, 1-based): chr2:211,788,150, T>C on the plus strand (A>G on the coding strand, the complement: ERBB4 is on the minus strand). VCF-style: chr2-211788150-T-C. GRCh37 (hg19) VCF-style: chr2-212652875-T-C.
Other names: c.431A>G, p.Asn144Ser (NM_001042599.2); short protein forms N144S.
Identifiers: ClinVar variation 1962470 (VCV001962470.5), dbSNP rs772663811, ClinGen allele CA2088432.